The following is an entry in ClinVar:

NM_015506.3(MMACHC):c.399del (p.Asp134fs)

Gene: MMACHC (metabolism of cobalamin associated C; plus strand). Cytogenetic location: 1p34.1.
Variant type: Deletion.
Coding change: c.399del on transcript NM_015506.3 (MANE Select); coding-DNA position 399, one base deleted (A; older notation c.399delA).
Protein change: p.Asp134fs; shifts the reading frame from aspartic acid 134.
Molecular consequence: frameshift variant.
Genome position (GRCh38, 1-based): chr1:45,508,334, A deleted; the last of 2 consecutive A bases (chr1:45,508,333-45,508,334); deleting either gives the same sequence. VCF-style (leftmost placement, unchanged base first): chr1-45508332-CA-C. GRCh37 (hg19) VCF-style: chr1-45974004-CA-C.
Other names: c.228del, p.Asp77fs (NM_001330540.2); short protein forms D134fs, D77fs.
Identifiers: ClinVar variation 4815869 (VCV004815869.1).
Genomic context (GRCh38, chr1:45,508,332, plus strand): 5'-CCCAAGATCCTGGCCCAGACAGCAGCCCATGTAGCTGGGGCTGCTTACTACTACCAACGA[CA>C]AGATGTGGAGGCTGACCCATGGGGGAACCAGGTGAGAGGGAAAATGTAAATAGAGGCTGA-3'

ClinVar aggregate classification (germline): Likely pathogenic (1 of 4 stars; one submission).

Conditions:
Cobalamin C disease. Also called: Cobalamin-C methylmalonic acidemia and homocystinuria; Methylmalonic acidemia and homocystinuria cblC type; Methylmalonic aciduria with homocystinuria cblC type; Methylmalonic aciduria and homocystinuria, Vitamin B12-responsive; Vitamin B12 metabolic defect with combined deficiency of methylmalonyl-CoA mutase and homocysteine:methyltetrahydrofolate methyltransferase; methylmalonic aciduria and homocystinuria type cblC. Identifiers: Orphanet 26, Orphanet 79282, MedGen C1848561, MONDO:0010184, OMIM 277400.

Submission:

Natera, Inc.
Classification: Likely pathogenic for Methylmalonic aciduria and homocystinuria cblC type. Last evaluated: 2025-08-28. Review status: criteria provided, single submitter. Criteria: Natera Variant Classification Schema (03/2026). Collection method: clinical testing. Allele origin: germline.
Comment: The c.399del variant in MMACHC is a frameshift variant predicted to shift the reading frame beginning at codon 134 and leads to a stop codon 30 codons downstream. This variant is expected to result in nonsense mediated decay, truncation, or a dysfunctional protein product. This variant is rare in the general population with a frequency below the threshold expected for the associated phenotype(s). Given the available evidence, this variant is classified as Likely Pathogenic.